The following is an entry in ClinVar:

NM_001367757.1(ZNF275):c.544G>A (p.Glu182Lys)

Gene: ZNF275 (zinc finger protein 275; plus strand). Cytogenetic location: Xq28.
Variant type: single nucleotide variant.
Coding change: c.544G>A on transcript NM_001367757.1 (MANE Select); coding-DNA position 544, G replaced by A.
Protein change: p.Glu182Lys; replaces glutamic acid 182 with lysine.
Molecular consequence: missense variant.
Genome position (GRCh38, 1-based): chrX:153,347,229, G>A. VCF-style: chrX-153347229-G-A. GRCh37 (hg19) VCF-style: chrX-152612687-G-A.
Other names: c.544G>A, p.Glu182Lys (NM_001080485.4); short protein forms E182K.
Identifiers: ClinVar variation 2591005 (VCV002591005.26), dbSNP rs781856747, ClinGen allele CA10546218.
Genomic context (GRCh38, chrX:153,347,229, plus strand): 5'-AGGGCCCTGGAGAATGCCGCGGAGAAGAGGGAGCAGATGGAGAGGGAGGCAAAGCCCTTC[G>A]AGTGCGAGGAGTGCGGAAAACGGTTTAAGAAGAATGCAGGCCTGAGTCAGCATCTGAGGG-3'
Protein context (NP_001354686.1, residues 172-192): EQMEREAKPF[Glu182Lys]CEECGKRFKK

ClinVar aggregate classification (germline): Conflicting classifications of pathogenicity. Review status: criteria provided, conflicting classifications (1 of 4 stars). 2 submissions from 2 submitters: Uncertain significance (1); Likely benign (1). Last evaluated 2023-09-13.

Allele frequency attached by ClinVar (database versions not stated): ExAC 0.00005; gnomAD exomes 0.00005.
gnomAD v4.1: 53 of 1,208,470 alleles (0.0044%); highest among the groups gnomAD compares: Non-Finnish European, 0.0057%; no homozygotes.

Submissions (2):

Ambry Genetics
Classification: Uncertain significance. Last evaluated: 2023-09-13. Review status: criteria provided, single submitter. Criteria: Ambry Variant Classification Scheme 2023. Collection method: clinical testing. Allele origin: germline.

CeGaT Center for Human Genetics Tuebingen
Classification: Likely benign. Last evaluated: 2022-11-01. Review status: criteria provided, single submitter. Criteria: CeGaT Center For Human Genetics Tuebingen Variant Classification Criteria Version 2. Collection method: clinical testing. Allele origin: germline. Affected: yes. Observed: 1 variant allele.
Comment: ZNF275: BP4, BS2